The following is an entry in ClinVar:

ClinVar aggregate classification (germline): Uncertain significance (1 of 4 stars; one submission).

Conditions:
Idiopathic generalized epilepsy. Also called: Generalised epilepsy; EIG. Identifiers: MedGen C0270850, MONDO:0005579, OMIM 600669.
Hyperaldosteronism, familial, type IV (HALD4). Also called: FH IV; ALDOSTERONISM, PRIMARY, AND HYPERTENSION. Identifiers: Orphanet 642671, MedGen C4310756, MONDO:0014875, OMIM 617027.

Allele frequency attached by ClinVar (database versions not stated): gnomAD exomes 0.00002; TOPMed 0.00002; gnomAD 0.00003; ExAC 0.00008.
gnomAD v4.1: 29 of 1,601,142 alleles (0.0018%); highest among the groups gnomAD compares: South Asian, 0.0068%; no homozygotes.

Submission:

Labcorp Genetics (formerly Invitae), Labcorp
Classification: Uncertain significance for Idiopathic generalized epilepsy; Hyperaldosteronism, familial, type IV. Last evaluated: 2025-12-24. Review status: criteria provided, single submitter. Criteria: Invitae Variant Classification Sherloc (09022015). Collection method: clinical testing. Allele origin: germline.
Comment: This sequence change replaces alanine, which is neutral and non-polar, with valine, which is neutral and non-polar, at codon 1765 of the CACNA1H protein (p.Ala1765Val). The frequency data for this variant in the population databases is considered unreliable, as metrics indicate poor data quality at this position in the gnomAD database. This variant has not been reported in the literature in individuals affected with CACNA1H-related conditions. ClinVar contains an entry for this variant (Variation ID: 1042848). Invitae Evidence Modeling of protein sequence and biophysical properties (such as structural, functional, and spatial information, amino acid conservation, physicochemical variation, residue mobility, and thermodynamic stability) indicates that this missense variant is expected to disrupt CACNA1H protein function with a positive predictive value of 80%. In summary, the available evidence is currently insufficient to determine the role of this variant in disease. Therefore, it has been classified as a Variant of Uncertain Significance.

NM_021098.3(CACNA1H):c.5294C>T (p.Ala1765Val)

Gene: CACNA1H (calcium voltage-gated channel subunit alpha1 H; plus strand). Cytogenetic location: 16p13.3.
Variant type: single nucleotide variant.
Coding change: c.5294C>T on transcript NM_021098.3 (MANE Select); coding-DNA position 5294, C replaced by T.
Protein change: p.Ala1765Val; replaces alanine 1765 with valine.
Molecular consequence: missense variant.
Genome position (GRCh38, 1-based): chr16:1,216,981, C>T. VCF-style: chr16-1216981-C-T. GRCh37 (hg19) VCF-style: chr16-1266981-C-T.
Other names: c.5276C>T, p.Ala1759Val (NM_001005407.2); short protein forms A1765V, A1759V.
Identifiers: ClinVar variation 1042848 (VCV001042848.8), dbSNP rs781759793, ClinGen allele CA7801938.
Genomic context (GRCh38, chr16:1,216,981, plus strand): 5'-CTCTTGTGTAGGTGGGGAACCTGGGCCTTCTTTTCATGCTCCTGTTTTTTATCTATGCTG[C>T]GCTGGGAGTGGAGCTGTTCGGGAGGCTGGGTGAGTGGCTCCTGCGCCCTCCTCCTGGCAC-3'
Protein context (NP_066921.2, residues 1755-1775): LFMLLFFIYA[Ala1765Val]LGVELFGRLE